The following is an entry in ClinVar:

NM_004656.4(BAP1):c.395G>C (p.Gly132Ala)

Gene: BAP1 (BRCA1 associated deubiquitinase 1; minus strand). Cytogenetic location: 3p21.1.
Variant type: single nucleotide variant.
Coding change: c.395G>C on transcript NM_004656.4 (MANE Select); coding-DNA position 395, G replaced by C.
Protein change: p.Gly132Ala; replaces glycine 132 with alanine.
Molecular consequence: missense variant.
Genome position (GRCh38, 1-based): chr3:52,407,441, C>G on the plus strand (G>C on the coding strand, the complement: BAP1 is on the minus strand). VCF-style: chr3-52407441-C-G. GRCh37 (hg19) VCF-style: chr3-52441457-C-G.
Other names: c.395G>C, p.Gly132Ala (NM_001410772.1); short protein forms G132A.
Identifiers: ClinVar variation 4867344 (VCV004867344.1).
Genomic context (GRCh38, chr3:52,407,441, plus strand): 5'-CCCACAGCTCCCACACACCTGGCATGGCTATTATGGGCCTTGGCCAACTCCGGGGCATTG[C>G]CAATCGCATATCCTTTGCTCTACGGGGAAGAAAATAAGGCCGTATCAGAATAATTTCTCC-3'
Protein context (NP_004647.1, residues 122-142): FSPESKGYAI[Gly132Ala]NAPELAKAHN

ClinVar aggregate classification (germline): Uncertain significance (1 of 4 stars; one submission).

Conditions:
Hereditary cancer-predisposing syndrome. Also called: Neoplastic Syndromes, Hereditary; Tumor predisposition; Hereditary Cancer Syndrome; Hereditary neoplastic syndrome. Identifiers: Orphanet 140162, MedGen C0027672, MeSH D009386, MONDO:0015356.

Submission:

Ambry Genetics
Classification: Uncertain significance for Hereditary cancer-predisposing syndrome. Last evaluated: 2026-03-31. Review status: criteria provided, single submitter. Criteria: Ambry Variant Classification Scheme 2023. Collection method: clinical testing. Allele origin: germline.
Comment: The p.G132A variant (also known as c.395G>C), located in coding exon 6 of the BAP1 gene, results from a G to C substitution at nucleotide position 395. The glycine at codon 132 is replaced by alanine, an amino acid with similar properties. This amino acid position is conserved. In addition, the in silico prediction for this alteration is inconclusive. Based on the available evidence, the clinical significance of this variant remains unclear.